The following is an entry in ClinVar:

NM_020070.4(IGLL1):c.539G>A (p.Ser180Asn)

Gene: IGLL1 (immunoglobulin lambda like polypeptide 1; minus strand). Cytogenetic location: 22q11.23.
Variant type: single nucleotide variant.
Coding change: c.539G>A on transcript NM_020070.4 (MANE Select); coding-DNA position 539, G replaced by A.
Protein change: p.Ser180Asn; replaces serine 180 with asparagine.
Molecular consequence: missense variant. On other transcripts: 3 prime UTR variant (1).
Genome position (GRCh38, 1-based): chr22:23,573,369, C>T on the plus strand (G>A on the coding strand, the complement: IGLL1 is on the minus strand). VCF-style: chr22-23573369-C-T. GRCh37 (hg19) VCF-style: chr22-23915556-C-T.
Other names: c.542G>A, p.Ser181Asn (NM_001369906.1); c.*168G>A (NM_152855.3); short protein forms S180N, S181N.
Identifiers: ClinVar variation 3651144 (VCV003651144.2).

ClinVar aggregate classification (germline): Uncertain significance (1 of 4 stars; one submission).

Conditions:
Agammaglobulinemia 2, autosomal recessive (AGM2). Also called: AGAMMAGLOBULINEMIA, AUTOSOMAL RECESSIVE, DUE TO IGLL1 DEFECT. Identifiers: MedGen C3150750, MONDO:0013287, OMIM 613500.

Submission:

Labcorp Genetics (formerly Invitae), Labcorp
Classification: Uncertain significance for Agammaglobulinemia 2, autosomal recessive. Last evaluated: 2024-04-25. Review status: criteria provided, single submitter. Criteria: Invitae Variant Classification Sherloc (09022015). Collection method: clinical testing. Allele origin: germline.
Comment: This sequence change replaces serine, which is neutral and polar, with asparagine, which is neutral and polar, at codon 180 of the IGLL1 protein (p.Ser180Asn). This variant is not present in population databases (gnomAD no frequency). This variant has not been reported in the literature in individuals affected with IGLL1-related conditions. An algorithm developed to predict the effect of missense changes on protein structure and function (PolyPhen-2) suggests that this variant is likely to be tolerated. In summary, the available evidence is currently insufficient to determine the role of this variant in disease. Therefore, it has been classified as a Variant of Uncertain Significance.